The following is an entry in ClinVar:

NM_003738.5(PTCH2):c.31C>T (p.Pro11Ser)

Gene: PTCH2 (patched 2; minus strand). Cytogenetic location: 1p34.1.
Variant type: single nucleotide variant.
Coding change: c.31C>T on transcript NM_003738.5 (MANE Select); coding-DNA position 31, C replaced by T.
Protein change: p.Pro11Ser; replaces proline 11 with serine.
Molecular consequence: missense variant.
Genome position (GRCh38, 1-based): chr1:44,842,902, G>A on the plus strand (C>T on the coding strand, the complement: PTCH2 is on the minus strand). VCF-style: chr1-44842902-G-A. GRCh37 (hg19) VCF-style: chr1-45308574-G-A.
Other names: c.31C>T, p.Pro11Ser (NM_001166292.2); short protein forms P11S.
Identifiers: ClinVar variation 639196 (VCV000639196.9), dbSNP rs1573666565, ClinGen allele CA340111303.

ClinVar aggregate classification (germline): Uncertain significance (1 of 4 stars; one submission).

Conditions:
Gorlin syndrome. Also called: Nevoid Basal Cell Carcinoma Syndrome; Basal cell nevus syndrome. Identifiers: Orphanet 377, MedGen C0004779, MONDO:0007187.

Allele frequency attached by ClinVar (database versions not stated): gnomAD exomes below 0.00001.
gnomAD v4.1: 3 of 1,550,164 alleles (0.00019%); highest among the groups gnomAD compares: South Asian, 0.0012%; no homozygotes.

Submission:

Labcorp Genetics (formerly Invitae), Labcorp
Classification: Uncertain significance for Gorlin syndrome. Last evaluated: 2025-01-23. Review status: criteria provided, single submitter. Criteria: Invitae Variant Classification Sherloc (09022015). Collection method: clinical testing. Allele origin: germline.
Comment: This sequence change replaces proline, which is neutral and non-polar, with serine, which is neutral and polar, at codon 11 of the PTCH2 protein (p.Pro11Ser). This variant is not present in population databases (gnomAD no frequency). This variant has not been reported in the literature in individuals affected with PTCH2-related conditions. ClinVar contains an entry for this variant (Variation ID: 639196). An algorithm developed to predict the effect of missense changes on protein structure and function (PolyPhen-2) suggests that this variant is likely to be tolerated. In summary, the available evidence is currently insufficient to determine the role of this variant in disease. Therefore, it has been classified as a Variant of Uncertain Significance.